The following is an entry in ClinVar:

NM_003701.4(TNFSF11):c.874G>A (p.Glu292Lys)

Gene: TNFSF11 (TNF superfamily member 11; plus strand). Cytogenetic location: 13q14.11.
Variant type: single nucleotide variant.
Coding change: c.874G>A on transcript NM_003701.4 (MANE Select); coding-DNA position 874, G replaced by A.
Protein change: p.Glu292Lys; replaces glutamic acid 292 with lysine.
Molecular consequence: missense variant.
Genome position (GRCh38, 1-based): chr13:42,606,838, G>A. VCF-style: chr13-42606838-G-A. GRCh37 (hg19) VCF-style: chr13-43180974-G-A.
Other names: c.655G>A, p.Glu219Lys (NM_033012.4); short protein forms E219K, E292K.
Identifiers: ClinVar variation 1387719 (VCV001387719.6), dbSNP rs992827347, ClinGen allele CA249053409.

ClinVar aggregate classification (germline): Uncertain significance (1 of 4 stars; one submission).

Allele frequency attached by ClinVar (database versions not stated): TOPMed below 0.00001.
gnomAD v4.1: 5 of 1,613,736 alleles (0.00031%); highest among the groups gnomAD compares: South Asian, 0.0022%; no homozygotes.

Submission:

Labcorp Genetics (formerly Invitae), Labcorp
Classification: Uncertain significance. Last evaluated: 2021-12-18. Review status: criteria provided, single submitter. Criteria: Invitae Variant Classification Sherloc (09022015). Collection method: clinical testing. Allele origin: germline.
Comment: In summary, the available evidence is currently insufficient to determine the role of this variant in disease. Therefore, it has been classified as a Variant of Uncertain Significance. Algorithms developed to predict the effect of missense changes on protein structure and function (SIFT, PolyPhen-2, Align-GVGD) all suggest that this variant is likely to be tolerated. This variant has not been reported in the literature in individuals affected with TNFSF11-related conditions. This variant is present in population databases (no rsID available, gnomAD 0.003%). This sequence change replaces glutamic acid, which is acidic and polar, with lysine, which is basic and polar, at codon 292 of the TNFSF11 protein (p.Glu292Lys).